The following is an entry in ClinVar:

ClinVar aggregate classification (germline): Likely pathogenic (1 of 4 stars; one submission).

Conditions:
Neurodevelopmental disorder with seizures, microcephaly, and brain abnormalities (NEDSMBA). Identifiers: MedGen C5774209, MONDO:0859283, OMIM 620024.

Submission:

3billion
Classification: Likely pathogenic for Neurodevelopmental disorder with seizures, microcephaly, and brain abnormalities. Last evaluated: 2025-06-20. Review status: criteria provided, single submitter. Criteria: ACMG Guidelines, 2015. Collection method: clinical testing. Allele origin: germline. Affected: yes.
Comment: The variant is not observed in the gnomAD v4.1.0 dataset. Predicted Consequence/Location: Frameshift: predicted to result in a loss or disruption of normal protein function through nonsense-mediated decay (NMD) or protein truncation. Multiple pathogenic variants are reported downstream of the variant. In silico tools predict the variant to alter splicing and produce an abnormal transcript [SpliceAI: 0.96 (spliceogenicity >=0.2, non-spliceogenicity <0.1)]. Therefore, this variant is classified as Likely pathogenic according to the recommendation of ACMG/AMP guideline.

NM_003622.4(PPFIBP1):c.357+1del

Gene: PPFIBP1 (PPFIB scaffold protein 1; plus strand). Cytogenetic location: 12p11.22.
Variant type: Deletion.
Coding change: c.357+1del on transcript NM_003622.4 (MANE Select); the canonical splice donor site of the intron after coding-DNA position 357, one base deleted (G; older notation c.357+1delG).
Molecular consequence: splice donor variant.
Genome position (GRCh38, 1-based): chr12:27,646,149, G deleted; the last of 2 consecutive G bases (chr12:27,646,148-27,646,149); deleting either gives the same sequence. VCF-style (leftmost placement, unchanged base first): chr12-27646147-AG-A. GRCh37 (hg19) VCF-style: chr12-27799080-AG-A.
Other names: c.357+1del (NM_177444.3, NM_001198916.2); c.-103+1del (NM_001198915.2).
Identifiers: ClinVar variation 4854532 (VCV004854532.1).